The following is an entry in ClinVar:

ClinVar aggregate classification (germline): Uncertain significance (1 of 4 stars; one submission).

Conditions:
Joubert syndrome 14 (JBTS14). Identifiers: MedGen C3280766, MONDO:0013745, OMIM 614424.

Submission:

Labcorp Genetics (formerly Invitae), Labcorp
Classification: Uncertain significance for Joubert syndrome 14. Last evaluated: 2023-08-24. Review status: criteria provided, single submitter. Criteria: Invitae Variant Classification Sherloc (09022015). Collection method: clinical testing. Allele origin: germline.
Comment: In summary, the available evidence is currently insufficient to determine the role of this variant in disease. Therefore, it has been classified as a Variant of Uncertain Significance. Variants that disrupt the consensus splice site are a relatively common cause of aberrant splicing (PMID: 17576681, 9536098). Algorithms developed to predict the effect of sequence changes on RNA splicing suggest that this variant may disrupt the consensus splice site. ClinVar contains an entry for this variant (Variation ID: 999425). This variant has not been reported in the literature in individuals affected with TMEM237-related conditions. This variant is not present in population databases (gnomAD no frequency). This sequence change falls in intron 7 of the TMEM237 gene. It does not directly change the encoded amino acid sequence of the TMEM237 protein. It affects a nucleotide within the consensus splice site.

Literature cited by the submitters: PubMed 17576681; PubMed 9536098.

NM_001044385.3(TMEM237):c.553+2dup

Gene: TMEM237 (transmembrane protein 237; minus strand). Cytogenetic location: 2q33.1.
Variant type: Duplication.
Coding change: c.553+2dup on transcript NM_001044385.3 (MANE Select); the canonical splice donor site of the intron after coding-DNA position 553, one base duplicated (T; older notation c.553+2dupT).
Molecular consequence: splice donor variant.
Genome position (GRCh38, 1-based): chr2:201,632,049, A duplicated on the plus strand (T on the coding strand, the reverse complement: TMEM237 is on the minus strand). VCF-style (leftmost placement, unchanged base first): chr2-201632048-T-TA. GRCh37 (hg19) VCF-style: chr2-202496771-T-TA.
Other names: c.529+2dup (NM_152388.4).
Identifiers: ClinVar variation 999425 (VCV000999425.6), dbSNP rs1957812399, ClinGen allele CA1321133859.
Genomic context (GRCh38, chr2:201,632,048, plus strand): 5'-TATAAAGGATATCCTTGGACAATTTTTAAAGAGTTCATATTCTAAAACAAGGCATCTACT[T>TA]ACGGCTTTTTTCCACAAATACTTTGCCTACAGGCTGGCTAATGCCAGTGGGTGCAGTGAA-3'